The following is an entry in ClinVar:

ClinVar aggregate classification (germline): Likely benign (1 of 4 stars; one submission).

gnomAD v4.1: 286 of 1,582,076 alleles (0.018%); highest among the groups gnomAD compares: South Asian, 0.045%; 1 homozygote.

Submission:

Mayo Clinic Laboratories, Mayo Clinic
Classification: Likely benign. Last evaluated: 2024-11-26. Review status: criteria provided, single submitter. Criteria: ACMG Guidelines, 2015. Collection method: clinical testing. Allele origin: germline. Observed: 2 variant alleles.
Comment: BP4, BP7

NM_000476.3(AK1):c.8-328C>T

Genes: AK1 (adenylate kinase 1; minus strand), ST6GALNAC4-ST6GALNAC6-AK1 (ST6GALNAC4-ST6GALNAC6-AK1 readthrough; minus strand). Cytogenetic location: 9q34.11.
Variant type: single nucleotide variant.
Coding change: c.8-328C>T on transcript NM_000476.3 (MANE Select); 328 bases into the intron before coding-DNA position 8, C replaced by T.
Molecular consequence: intron variant.
Genome position (GRCh38, 1-based): chr9:127,873,389, G>A on the plus strand (C>T on the coding strand, the complement: AK1 is on the minus strand). VCF-style: chr9-127873389-G-A. GRCh37 (hg19) VCF-style: chr9-130635668-G-A.
Other names: p.?; c.8-328C>T (NM_001318121.1); c.55+5C>T (NM_001318122.2).
Identifiers: ClinVar variation 4683434 (VCV004683434.1).
Genomic context (GRCh38, chr9:127,873,389, plus strand): 5'-AGCGGGCTGGGCCGCCAGCCCTCATGGCGCCTCCCTGTGGGTGCCTGGACCCCGGGGCCG[G>A]TCACCTCTGGCTCTCAGATCGTCTTCTCTGCGGGGGTCACTCGAGGAGCAGCAGCCCATG-3'